The following is an entry in ClinVar:

NM_002230.4(JUP):c.298C>T (p.Leu100Phe)

Gene: JUP (junction plakoglobin; minus strand). Cytogenetic location: 17q21.2.
Variant type: single nucleotide variant.
Coding change: c.298C>T on transcript NM_002230.4 (MANE Select); coding-DNA position 298, C replaced by T.
Protein change: p.Leu100Phe; replaces leucine 100 with phenylalanine.
Molecular consequence: missense variant.
Genome position (GRCh38, 1-based): chr17:41,769,588, G>A on the plus strand (C>T on the coding strand, the complement: JUP is on the minus strand). VCF-style: chr17-41769588-G-A. GRCh37 (hg19) VCF-style: chr17-39925840-G-A.
Other names: c.298C>T, p.Leu100Phe (NM_001352773.2, NM_001352774.2, NM_001352775.2 and 3 more transcripts); short protein forms L100F.
Identifiers: ClinVar variation 468752 (VCV000468752.8), dbSNP rs1555605883, ClinGen allele CA399505585.

ClinVar aggregate classification (germline): Uncertain significance (1 of 4 stars; one submission).

Conditions:
Naxos disease (NXD). Also called: KERATOSIS PALMOPLANTARIS WITH ARRHYTHMOGENIC CARDIOMYOPATHY; MAL DE NAXOS; PALMOPLANTAR KERATODERMA WITH ARRHYTHMOGENIC RIGHT VENTRICULAR CARDIOMYOPATHY AND WOOLLY HAIR; WOOLLY HAIR, PALMOPLANTAR KERATODERMA, AND CARDIAC ABNORMALITIES; CARDIOMYOPATHY, ARRHYTHMOGENIC RIGHT VENTRICULAR, WITH SKIN, HAIR, AND NAIL ABNORMALITIES. Identifiers: Orphanet 34217, MedGen C1832600, MONDO:0011017, OMIM 601214.
Arrhythmogenic right ventricular dysplasia 12. Also called: ARRHYTHMOGENIC RIGHT VENTRICULAR DYSPLASIA, FAMILIAL, 12. Identifiers: MedGen C1969081, MONDO:0012684, OMIM 611528.

Allele frequency attached by ClinVar (database versions not stated): TOPMed below 0.00001.

Submission:

Labcorp Genetics (formerly Invitae), Labcorp
Classification: Uncertain significance for Arrhythmogenic right ventricular dysplasia 12; Naxos disease. Last evaluated: 2025-10-21. Review status: criteria provided, single submitter. Criteria: Invitae Variant Classification Sherloc (09022015). Collection method: clinical testing. Allele origin: germline.
Comment: This sequence change replaces leucine, which is neutral and non-polar, with phenylalanine, which is neutral and non-polar, at codon 100 of the JUP protein (p.Leu100Phe). This variant is not present in population databases (gnomAD no frequency). This variant has not been reported in the literature in individuals affected with JUP-related conditions. ClinVar contains an entry for this variant (Variation ID: 468752). An algorithm developed to predict the effect of missense changes on protein structure and function (PolyPhen-2) suggests that this variant is likely to be tolerated. In summary, the available evidence is currently insufficient to determine the role of this variant in disease. Therefore, it has been classified as a Variant of Uncertain Significance.